The following is an entry in ClinVar:

NM_004959.5(NR5A1):c.881A>G (p.Gln294Arg)

Gene: NR5A1 (nuclear receptor subfamily 5 group A member 1; minus strand). Cytogenetic location: 9q33.3.
Variant type: single nucleotide variant.
Coding change: c.881A>G on transcript NM_004959.5 (MANE Select); coding-DNA position 881, A replaced by G.
Protein change: p.Gln294Arg; replaces glutamine 294 with arginine.
Molecular consequence: missense variant.
Genome position (GRCh38, 1-based): chr9:124,493,139, T>C on the plus strand (A>G on the coding strand, the complement: NR5A1 is on the minus strand). VCF-style: chr9-124493139-T-C. GRCh37 (hg19) VCF-style: chr9-127255418-T-C.
Other names: short protein forms Q294R.
Identifiers: ClinVar variation 3393591 (VCV003393591.1).

ClinVar aggregate classification (germline): Uncertain significance (1 of 4 stars; one submission).

gnomAD v4.1: 3 of 1,611,108 alleles (0.00019%); highest among the groups gnomAD compares: African/African-American, 0.0013%; no homozygotes.

Submission:

GeneDx
Classification: Uncertain significance. Last evaluated: 2024-06-26. Review status: criteria provided, single submitter. Criteria: GeneDx Variant Classification Process June 2021. Collection method: clinical testing. Allele origin: germline. Affected: yes.
Comment: Not observed at significant frequency in large population cohorts (gnomAD); In silico analysis supports that this missense variant has a deleterious effect on protein structure/function; Has not been previously published as pathogenic or benign to our knowledge